The following is an entry in ClinVar:

NM_004859.4(CLTC):c.3805G>C (p.Ala1269Pro)

Gene: CLTC (clathrin heavy chain; plus strand). Cytogenetic location: 17q23.1.
Variant type: single nucleotide variant.
Coding change: c.3805G>C on transcript NM_004859.4 (MANE Select); coding-DNA position 3805, G replaced by C.
Protein change: p.Ala1269Pro; replaces alanine 1269 with proline.
Molecular consequence: missense variant.
Genome position (GRCh38, 1-based): chr17:59,682,946, G>C. VCF-style: chr17-59682946-G-C. GRCh37 (hg19) VCF-style: chr17-57760307-G-C.
Other names: c.3817G>C, p.Ala1273Pro (NM_001288653.2); short protein forms A1269P, A1273P.
Identifiers: ClinVar variation 1806073 (VCV001806073.1), dbSNP rs2509153854, ClinGen allele CA400419103.

ClinVar aggregate classification (germline): Likely pathogenic (1 of 4 stars; one submission).

Conditions:
Intellectual developmental disorder, autosomal dominant 56. Also called: MENTAL RETARDATION, AUTOSOMAL DOMINANT 56; Intellectual disability, autosomal dominant 56. Identifiers: MedGen C4693389, MONDO:0030922, OMIM 617854.

Submission:

Victorian Clinical Genetics Services, Murdoch Childrens Research Institute
Classification: Likely pathogenic for Intellectual developmental disorder, autosomal dominant 56. Last evaluated: 2020-05-01. Review status: criteria provided, single submitter. Criteria: ACMG Guidelines, 2015. Collection method: clinical testing. Allele origin: germline. Inheritance: Autosomal dominant inheritance. Affected: yes.
Comment: Based on the classification scheme VCGS_Germline_v1.1.1, this variant is classified as likely pathogenic. Following criteria are met: 0102 - Loss-of-function is a known mechanism of disease for this gene. (N) 0107 - This gene is known to be associated with autosomal dominant disease. (N) 0200 - Variant is predicted to result in a missense amino acid change from alanine to proline (exon 24). (N) 0251 - Variant is heterozygous. (N) 0301 - Variant is absent from gnomAD. (P) 0502 - Missense variant with conflicting in silico predictions and/or uninformative conservation. (N) 0603 - Missense variant in a region that is intolerant to missense variation (high constraint region). (P) 0705 - No comparable variants have previous evidence for pathogenicity. (N) 0807 - Variant has not previously been reported in a clinical context. (N) 0905 - No segregation evidence has been identified for this variant. (N) 1007 - No published functional evidence has been identified for this variant. (P) Legend: (P) - Pathogenic, (N) - Neutral, (B) - Benign